The following is an entry in ClinVar:

NM_012073.5(CCT5):c.40C>T (p.Arg14Cys)

Gene: CCT5 (chaperonin containing TCP1 subunit 5; plus strand). Cytogenetic location: 5p15.2.
Variant type: single nucleotide variant.
Coding change: c.40C>T on transcript NM_012073.5 (MANE Select); coding-DNA position 40, C replaced by T.
Protein change: p.Arg14Cys; replaces arginine 14 with cysteine.
Molecular consequence: missense variant. On other transcripts: intron variant (1).
Genome position (GRCh38, 1-based): chr5:10,250,380, C>T. VCF-style: chr5-10250380-C-T. GRCh37 (hg19) VCF-style: chr5-10250492-C-T.
Other names: c.40C>T, p.Arg14Cys (NM_001306154.2); c.42+335C>T (NM_001306153.1); short protein forms R14C.
Identifiers: ClinVar variation 3018276 (VCV003018276.3), dbSNP rs2477397300, ClinGen allele CA359179187.

ClinVar aggregate classification (germline): Uncertain significance (1 of 4 stars; one submission).

Conditions:
Hereditary sensory and autonomic neuropathy with spastic paraplegia (HSNSP). Identifiers: Orphanet 139578, MedGen C1850395, MONDO:0009748, OMIM 256840.

Submission:

Labcorp Genetics (formerly Invitae), Labcorp
Classification: Uncertain significance for Hereditary sensory and autonomic neuropathy with spastic paraplegia. Last evaluated: 2023-06-21. Review status: criteria provided, single submitter. Criteria: Invitae Variant Classification Sherloc (09022015). Collection method: clinical testing. Allele origin: germline.
Comment: In summary, the available evidence is currently insufficient to determine the role of this variant in disease. Therefore, it has been classified as a Variant of Uncertain Significance. An algorithm developed to predict the effect of missense changes on protein structure and function (PolyPhen-2) suggests that this variant is likely to be disruptive. This variant has not been reported in the literature in individuals affected with CCT5-related conditions. This variant is not present in population databases (gnomAD no frequency). This sequence change replaces arginine, which is basic and polar, with cysteine, which is neutral and slightly polar, at codon 14 of the CCT5 protein (p.Arg14Cys).